The following is an entry in ClinVar:

NM_000284.4(PDHA1):c.57+2414A>G

Gene: PDHA1 (pyruvate dehydrogenase E1 subunit alpha 1; plus strand). Cytogenetic location: Xp22.12.
Variant type: single nucleotide variant.
Coding change: c.57+2414A>G on transcript NM_000284.4 (MANE Select); 2414 bases into the intron after coding-DNA position 57, A replaced by G.
Molecular consequence: intron variant. On other transcripts: splice acceptor variant (1).
Genome position (GRCh38, 1-based): chrX:19,346,508, A>G. VCF-style: chrX-19346508-A-G. GRCh37 (hg19) VCF-style: chrX-19364626-A-G.
Other names: NC_000023.10:g.19364626A>G; c.58-2A>G (NM_001173454.2); c.57+2414A>G (NM_001173455.2, NM_001173456.2).
Identifiers: ClinVar variation 3771500 (VCV003771500.14).

ClinVar aggregate classification (germline): Uncertain significance (1 of 4 stars; one submission).

Submissions (2):

CeGaT Center for Human Genetics Tuebingen
Classification: Uncertain significance. Last evaluated: 2024-12-01. Review status: criteria provided, single submitter. Criteria: CeGaT Center For Human Genetics Tuebingen Variant Classification Criteria Version 2. Collection method: clinical testing. Allele origin: germline. Affected: yes. Observed: 1 variant allele.
Comment: PDHA1: PM2

Dr. Peter K. Rogan Lab, Western University
No classification provided (evidence only). Condition: Ovarian serous cystadenocarcinoma. Review status: no classification provided. Collection method: in vitro. Allele origin: not applicable. Functional consequence: retained intron. Not counted in ClinVar's aggregate classification.